The following is an entry in ClinVar:

NM_001377299.1(NDUFS2):c.911A>C (p.Lys304Thr)

Gene: NDUFS2 (NADH:ubiquinone oxidoreductase core subunit S2; plus strand). Cytogenetic location: 1q23.3.
Variant type: single nucleotide variant.
Coding change: c.911A>C on transcript NM_001377299.1 (MANE Select); coding-DNA position 911, A replaced by C.
Protein change: p.Lys304Thr; replaces lysine 304 with threonine.
Molecular consequence: missense variant. On other transcripts: non-coding transcript variant (1).
Genome position (GRCh38, 1-based): chr1:161,210,635, A>C. VCF-style: chr1-161210635-A-C. GRCh37 (hg19) VCF-style: chr1-161180425-A-C.
Other names: c.911A>C, p.Lys304Thr (NM_001166159.2, NM_001377298.1, NM_001377300.1 and 3 more transcripts); short protein forms K304T.
Identifiers: ClinVar variation 1331577 (VCV001331577.5), dbSNP rs149901957, ClinGen allele CA1208732.
Genomic context (GRCh38, chr1:161,210,635, plus strand): 5'-ATTATGCTCTCCACAGTGGAGTGATGCTTCGGGGCTCAGGCATCCAGTGGGACCTGCGGA[A>C]GACCCAGCCCTATGATGTTTACGACCAGGTTGAGTTTGATGTTCCTGTTGGTTCTCGAGG-3'
Protein context (NP_001364228.1, residues 294-314): RGSGIQWDLR[Lys304Thr]TQPYDVYDQV

ClinVar aggregate classification (germline): Uncertain significance. Review status: criteria provided, multiple submitters, no conflicts (2 of 4 stars). 2 submissions from 2 submitters: Uncertain significance (2). Last evaluated 2023-12-15.

Conditions:
Inborn genetic diseases. Identifiers: MedGen C0950123, MeSH D030342.

Allele frequency attached by ClinVar (database versions not stated): ExAC 0.00001; gnomAD exomes 0.00001; gnomAD 0.00006 and 0.00008; TOPMed 0.00006; ESP Exome Variant Server 0.00008.
gnomAD v4.1: 17 of 1,614,050 alleles (0.0011%); highest among the groups gnomAD compares: African/African-American, 0.023%; no homozygotes.

Submissions (2):

Ambry Genetics
Classification: Uncertain significance for Inborn genetic diseases. Last evaluated: 2023-12-15. Review status: criteria provided, single submitter. Criteria: Ambry Variant Classification Scheme 2023. Collection method: clinical testing. Allele origin: germline.

Greenwood Genetic Center Diagnostic Laboratories, Greenwood Genetic Center
Classification: Uncertain significance. Last evaluated: 2021-02-14. Review status: criteria provided, single submitter. Criteria: ACMG Guidelines, 2015. Collection method: clinical testing. Allele origin: germline. Affected: yes.
Comment: PP3, PM2